The following is an entry in ClinVar:

ClinVar aggregate classification (germline): Uncertain significance (1 of 4 stars; one submission).

Allele frequency attached by ClinVar (database versions not stated): TOPMed below 0.00001; gnomAD 0.00001.
gnomAD v4.1: 1 of 1,613,920 alleles (0.000062%); highest among the groups gnomAD compares: Non-Finnish European, 0.000085%; no homozygotes.

Submission:

Labcorp Genetics (formerly Invitae), Labcorp
Classification: Uncertain significance. Last evaluated: 2024-10-29. Review status: criteria provided, single submitter. Criteria: Invitae Variant Classification Sherloc (09022015). Collection method: clinical testing. Allele origin: germline.
Comment: This sequence change replaces alanine, which is neutral and non-polar, with aspartic acid, which is acidic and polar, at codon 803 of the KCNH1 protein (p.Ala803Asp). This variant is not present in population databases (gnomAD no frequency). This variant has not been reported in the literature in individuals affected with KCNH1-related conditions. ClinVar contains an entry for this variant (Variation ID: 1354638). Invitae Evidence Modeling of protein sequence and biophysical properties (such as structural, functional, and spatial information, amino acid conservation, physicochemical variation, residue mobility, and thermodynamic stability) has been performed for this missense variant. However, the output from this modeling did not meet the statistical confidence thresholds required to predict the impact of this variant on KCNH1 protein function. In summary, the available evidence is currently insufficient to determine the role of this variant in disease. Therefore, it has been classified as a Variant of Uncertain Significance.

NM_172362.3(KCNH1):c.2408C>A (p.Ala803Asp)

Gene: KCNH1 (potassium voltage-gated channel subfamily H member 1; minus strand). Cytogenetic location: 1q32.2.
Variant type: single nucleotide variant.
Coding change: c.2408C>A on transcript NM_172362.3 (MANE Select); coding-DNA position 2408, C replaced by A.
Protein change: p.Ala803Asp; replaces alanine 803 with aspartic acid.
Molecular consequence: missense variant.
Genome position (GRCh38, 1-based): chr1:210,683,843, G>T on the plus strand (C>A on the coding strand, the complement: KCNH1 is on the minus strand). VCF-style: chr1-210683843-G-T. GRCh37 (hg19) VCF-style: chr1-210857185-G-T.
Other names: c.2327C>A, p.Ala776Asp (NM_002238.4); short protein forms A803D, A776D.
Identifiers: ClinVar variation 1354638 (VCV001354638.8), dbSNP rs755800500, ClinGen allele CA344871240.